The following is an entry in ClinVar:

NM_005802.5(TOPORS):c.1642G>A (p.Gly548Ser)

Gene: TOPORS (TOP1 binding arginine/serine rich protein, E3 ubiquitin ligase; minus strand). Cytogenetic location: 9p21.1.
Variant type: single nucleotide variant.
Coding change: c.1642G>A on transcript NM_005802.5 (MANE Select); coding-DNA position 1642, G replaced by A.
Protein change: p.Gly548Ser; replaces glycine 548 with serine.
Molecular consequence: missense variant.
Genome position (GRCh38, 1-based): chr9:32,542,883, C>T on the plus strand (G>A on the coding strand, the complement: TOPORS is on the minus strand). VCF-style: chr9-32542883-C-T. GRCh37 (hg19) VCF-style: chr9-32542881-C-T.
Other names: c.1447G>A, p.Gly483Ser (NM_001195622.2); short protein forms G548S, G483S.
Identifiers: ClinVar variation 1365453 (VCV001365453.8), dbSNP rs1324624919, ClinGen allele CA373168961.

ClinVar aggregate classification (germline): Uncertain significance (1 of 4 stars; one submission).

Submission:

Labcorp Genetics (formerly Invitae), Labcorp
Classification: Uncertain significance. Last evaluated: 2021-07-02. Review status: criteria provided, single submitter. Criteria: Invitae Variant Classification Sherloc (09022015). Collection method: clinical testing. Allele origin: germline.
Comment: In summary, the available evidence is currently insufficient to determine the role of this variant in disease. Therefore, it has been classified as a Variant of Uncertain Significance. Algorithms developed to predict the effect of missense changes on protein structure and function output the following: SIFT: "Tolerated"; PolyPhen-2: "Benign"; Align-GVGD: "Class C0". The serine amino acid residue is found in multiple mammalian species, which suggests that this missense change does not adversely affect protein function. This variant has not been reported in the literature in individuals affected with TOPORS-related conditions. This variant is not present in population databases (ExAC no frequency). This sequence change replaces glycine with serine at codon 548 of the TOPORS protein (p.Gly548Ser). The glycine residue is moderately conserved and there is a small physicochemical difference between glycine and serine.